The following is an entry in ClinVar:

NM_004369.4(COL6A3):c.4075C>A (p.Leu1359Ile)

Gene: COL6A3 (collagen type VI alpha 3 chain; minus strand). Cytogenetic location: 2q37.3.
Variant type: single nucleotide variant.
Coding change: c.4075C>A on transcript NM_004369.4 (MANE Select); coding-DNA position 4075, C replaced by A.
Protein change: p.Leu1359Ile; replaces leucine 1359 with isoleucine.
Molecular consequence: missense variant.
Genome position (GRCh38, 1-based): chr2:237,371,942, G>T on the plus strand (C>A on the coding strand, the complement: COL6A3 is on the minus strand). VCF-style: chr2-237371942-G-T. GRCh37 (hg19) VCF-style: chr2-238280585-G-T.
Other names: c.3457C>A, p.Leu1153Ile (NM_057167.4, NM_057165.5); c.2854C>A, p.Leu952Ile (NM_057164.5); c.2254C>A, p.Leu752Ile (NM_057166.5); short protein forms L1153I, L752I, L1359I, L952I.
Identifiers: ClinVar variation 1520887 (VCV001520887.8), dbSNP rs2077700902, ClinGen allele CA351197125.

ClinVar aggregate classification (germline): Uncertain significance (1 of 4 stars; one submission).

Conditions:
Bethlem myopathy 1A. Also called: MYOPATHY, BENIGN CONGENITAL, WITH CONTRACTURES; Bethlem myopathy 1; Bethlem Muscular Dystrophy. Identifiers: Orphanet 610, MedGen CN029274, MONDO:0024530, OMIM 158810.

Allele frequency attached by ClinVar (database versions not stated): TOPMed below 0.00001.
gnomAD v4.1: 7 of 1,614,056 alleles (0.00043%); highest among the groups gnomAD compares: Non-Finnish European, 0.00059%; no homozygotes.

Submission:

Labcorp Genetics (formerly Invitae), Labcorp
Classification: Uncertain significance for Bethlem myopathy 1A. Last evaluated: 2024-06-03. Review status: criteria provided, single submitter. Criteria: Invitae Variant Classification Sherloc (09022015). Collection method: clinical testing. Allele origin: germline.
Comment: This sequence change replaces leucine, which is neutral and non-polar, with isoleucine, which is neutral and non-polar, at codon 1359 of the COL6A3 protein (p.Leu1359Ile). This variant is not present in population databases (gnomAD no frequency). This variant has not been reported in the literature in individuals affected with COL6A3-related conditions. ClinVar contains an entry for this variant (Variation ID: 1520887). Advanced modeling of protein sequence and biophysical properties (such as structural, functional, and spatial information, amino acid conservation, physicochemical variation, residue mobility, and thermodynamic stability) performed at Invitae indicates that this missense variant is not expected to disrupt COL6A3 protein function with a negative predictive value of 80%. In summary, the available evidence is currently insufficient to determine the role of this variant in disease. Therefore, it has been classified as a Variant of Uncertain Significance.